The following is an entry in ClinVar:

NM_000061.3(BTK):c.460T>G (p.Cys154Gly)

Gene: BTK (Bruton tyrosine kinase; minus strand). Cytogenetic location: Xq22.1.
Variant type: single nucleotide variant.
Coding change: c.460T>G on transcript NM_000061.3 (MANE Select); coding-DNA position 460, T replaced by G.
Protein change: p.Cys154Gly; replaces cysteine 154 with glycine.
Molecular consequence: missense variant.
Genome position (GRCh38, 1-based): chrX:101,362,621, A>C on the plus strand (T>G on the coding strand, the complement: BTK is on the minus strand). VCF-style: chrX-101362621-A-C. GRCh37 (hg19) VCF-style: chrX-100617609-A-C.
Other names: c.562T>G, p.Cys188Gly (NM_001287344.2); c.460T>G, p.Cys154Gly (NM_001287345.2); short protein forms C188G, C154G.
Identifiers: ClinVar variation 2138655 (VCV002138655.4), dbSNP rs2520611305, ClinGen allele CA413935315.

ClinVar aggregate classification (germline): Likely pathogenic (1 of 4 stars; one submission).

Conditions:
X-linked agammaglobulinemia with growth hormone deficiency (IGHD3). Also called: FLEISHER SYNDROME; HYPOGAMMAGLOBULINEMIA AND ISOLATED GROWTH HORMONE DEFICIENCY, X-LINKED; IGHD III; AGAMMAGLOBULINEMIA AND ISOLATED GROWTH HORMONE DEFICIENCY, X-LINKED; Isolated growth hormone deficiency type 3; Growth hormone deficiency with hypogammaglobulinemia. Identifiers: Orphanet 231692, Orphanet 631, MedGen C0472813, MONDO:0010615, OMIM 307200.

Submission:

Labcorp Genetics (formerly Invitae), Labcorp
Classification: Likely pathogenic for X-linked agammaglobulinemia with growth hormone deficiency. Last evaluated: 2021-12-15. Review status: criteria provided, single submitter. Criteria: Invitae Variant Classification Sherloc (09022015). Collection method: clinical testing. Allele origin: germline.
Comment: This sequence change replaces cysteine, which is neutral and slightly polar, with glycine, which is neutral and non-polar, at codon 154 of the BTK protein (p.Cys154Gly). This variant is not present in population databases (gnomAD no frequency). This missense change has been observed in individual(s) with X-linked agammaglobulinemia (PMID: 12217331). Advanced modeling of protein sequence and biophysical properties (such as structural, functional, and spatial information, amino acid conservation, physicochemical variation, residue mobility, and thermodynamic stability) performed at Invitae indicates that this missense variant is expected to disrupt BTK protein function. This variant disrupts the p.Cys154 amino acid residue in BTK. Other variant(s) that disrupt this residue have been observed in individuals with BTK-related conditions (PMID: 12768435, 32552675), which suggests that this may be a clinically significant amino acid residue. In summary, the currently available evidence indicates that the variant is pathogenic, but additional data are needed to prove that conclusively. Therefore, this variant has been classified as Likely Pathogenic.

Literature cited by the submitters: PubMed 12217331; PubMed 12768435; PubMed 32552675.